The following is an entry in ClinVar:

NM_000543.5(SMPD1):c.941T>C (p.Val314Ala)

Gene: SMPD1 (sphingomyelin phosphodiesterase 1; plus strand). Cytogenetic location: 11p15.4.
Variant type: single nucleotide variant.
Coding change: c.941T>C on transcript NM_000543.5 (MANE Select); coding-DNA position 941, T replaced by C.
Protein change: p.Val314Ala; replaces valine 314 with alanine.
Molecular consequence: missense variant. On other transcripts: 5 prime UTR variant (1), non-coding transcript variant (1).
Genome position (GRCh38, 1-based): chr11:6,392,006, T>C. VCF-style: chr11-6392006-T-C. GRCh37 (hg19) VCF-style: chr11-6413236-T-C.
Other names: c.938T>C, p.Val313Ala (NM_001007593.3); c.941T>C, p.Val314Ala (NM_001318087.2, NM_001365135.2); c.-21T>C (NM_001318088.2); c.941T>C (NM_000543.4); short protein forms V313A, V314A.
Identifiers: ClinVar variation 2164444 (VCV002164444.6), dbSNP rs1847944661, ClinGen allele CA379371322.

ClinVar aggregate classification (germline): Conflicting classifications of pathogenicity. Review status: criteria provided, conflicting classifications (1 of 4 stars). 3 submissions from 3 submitters: Likely pathogenic (2); Uncertain significance (1). Last evaluated 2026-01-07.

Conditions:
SMPD1-related disorder. Also called: SMPD1-related condition.
Niemann-Pick disease, type B. Also called: Chronic Visceral ASMD (Niemann-Pick Disease Type B; NPD-B). Identifiers: Orphanet 77293, MedGen C0268243, MONDO:0011871, OMIM 607616. Disease mechanism: loss of function.
Niemann-Pick disease, type A. Also called: Infantile Neurovisceral ASMD (Niemann-Pick Disease Type A; NPD-A); SPHINGOMYELIN LIPIDOSIS; SPHINGOMYELINASE DEFICIENCY. Identifiers: Orphanet 77292, MedGen C0268242, MONDO:0009756, OMIM 257200. Disease mechanism: loss of function.

Allele frequency attached by ClinVar (database versions not stated): gnomAD exomes below 0.00001.

Submissions (3):

PreventionGenetics, part of Exact Sciences
Classification: Uncertain significance for SMPD1-related condition. Last evaluated: 2026-01-07. Review status: criteria provided, single submitter. Criteria: ACMG Guidelines, 2015. Collection method: clinical testing. Allele origin: germline.
Comment: The SMPD1 c.941T>C variant is predicted to result in the amino acid substitution p.Val314Ala. To our knowledge, this variant has not been reported in the literature or in a large population database (gnomAD), indicating this variant is rare. Of note, another variant impacting this same amino acid [c.940G>A (p.Val314Met)] has been reported in the presumed compound heterozygous state and in homozygous state in individuals with type B Niemann-Pick Disease (Desnick et al. 2010. PubMed ID: 20386867; Table 1, Lipiński et al. 2019. PubMed ID: 30795770). Functional studies of the p.Val314Met variant showed that it altered protein function (Desnick et al. 2010. PubMed ID: 20386867). This variant is assessed as likely pathogenic in ClinVar (Variation ID: 2164444). Although we suspect that this variant may be pathogenic, at this time, the clinical significance of this variant is uncertain due to the absence of conclusive functional and genetic evidence.

Fulgent Genetics
Classification: Likely pathogenic for Niemann-Pick disease, type A; Niemann-Pick disease, type B. Last evaluated: 2024-01-09. Review status: criteria provided, single submitter. Criteria: ACMG Guidelines, 2015. Collection method: clinical testing. Allele origin: germline.

Labcorp Genetics (formerly Invitae), Labcorp
Classification: Likely pathogenic for Niemann-Pick disease, type B; Niemann-Pick disease, type A. Last evaluated: 2023-07-30. Review status: criteria provided, single submitter. Criteria: Invitae Variant Classification Sherloc (09022015). Collection method: clinical testing. Allele origin: germline.
Comment: In summary, the currently available evidence indicates that the variant is pathogenic, but additional data are needed to prove that conclusively. Therefore, this variant has been classified as Likely Pathogenic. This variant disrupts the p.Val314 amino acid residue in SMPD1. Other variant(s) that disrupt this residue have been determined to be pathogenic (PMID: 20386867, 30795770). This suggests that this residue is clinically significant, and that variants that disrupt this residue are likely to be disease-causing. Advanced modeling of protein sequence and biophysical properties (such as structural, functional, and spatial information, amino acid conservation, physicochemical variation, residue mobility, and thermodynamic stability) performed at Invitae indicates that this missense variant is expected to disrupt SMPD1 protein function. ClinVar contains an entry for this variant (Variation ID: 2164444). This variant has not been reported in the literature in individuals affected with SMPD1-related conditions. This variant is not present in population databases (gnomAD no frequency). This sequence change replaces valine, which is neutral and non-polar, with alanine, which is neutral and non-polar, at codon 314 of the SMPD1 protein (p.Val314Ala).

Literature cited by the submitters: PubMed 20386867 (cited by Labcorp Genetics (formerly Invitae), Labcorp); PubMed 30795770 (cited by Labcorp Genetics (formerly Invitae), Labcorp).